The following is an entry in ClinVar:

ClinVar aggregate classification (germline): Uncertain significance (1 of 4 stars; one submission).

Conditions:
Early-infantile DEE. Also called: Early infantile epileptic encephalopathy; Early infantile epileptic encephalopathy with suppression bursts; Ohtahara syndrome. Identifiers: Orphanet 1934, MedGen C0393706, MONDO:0800491.

Submission:

Labcorp Genetics (formerly Invitae), Labcorp
Classification: Uncertain significance for Early-infantile DEE. Last evaluated: 2023-02-16. Review status: criteria provided, single submitter. Criteria: Invitae Variant Classification Sherloc (09022015). Collection method: clinical testing. Allele origin: germline.
Comment: This sequence change replaces arginine, which is basic and polar, with glycine, which is neutral and non-polar, at codon 162 of the GNAO1 protein (p.Arg162Gly). This variant is not present in population databases (gnomAD no frequency). This variant has not been reported in the literature in individuals affected with GNAO1-related conditions. Advanced modeling of protein sequence and biophysical properties (such as structural, functional, and spatial information, amino acid conservation, physicochemical variation, residue mobility, and thermodynamic stability) performed at Invitae indicates that this missense variant is expected to disrupt GNAO1 protein function. In summary, the available evidence is currently insufficient to determine the role of this variant in disease. Therefore, it has been classified as a Variant of Uncertain Significance.

NM_020988.3(GNAO1):c.484C>G (p.Arg162Gly)

Gene: GNAO1 (G protein subunit alpha o1; plus strand). Cytogenetic location: 16q13.
Variant type: single nucleotide variant.
Coding change: c.484C>G on transcript NM_020988.3 (MANE Select); coding-DNA position 484, C replaced by G.
Protein change: p.Arg162Gly; replaces arginine 162 with glycine.
Molecular consequence: missense variant.
Genome position (GRCh38, 1-based): chr16:56,334,748, C>G. VCF-style: chr16-56334748-C-G. GRCh37 (hg19) VCF-style: chr16-56368660-C-G.
Other names: c.484C>G, p.Arg162Gly (NM_138736.3); short protein forms R162G.
Identifiers: ClinVar variation 2807891 (VCV002807891.3), dbSNP rs2143660474, ClinGen allele CA395951413.